The following is an entry in ClinVar:

ClinVar aggregate classification (germline): Uncertain significance (1 of 4 stars; one submission).

Conditions:
LAMA2-related muscular dystrophy (LAMA2-RD). Also called: Laminin alpha 2-related dystrophy. Identifiers: MedGen C5679788, MONDO:0100228.

Submission:

Labcorp Genetics (formerly Invitae), Labcorp
Classification: Uncertain significance for LAMA2-related muscular dystrophy. Last evaluated: 2021-11-29. Review status: criteria provided, single submitter. Criteria: Invitae Variant Classification Sherloc (09022015). Collection method: clinical testing. Allele origin: germline.
Comment: This variant results in a copy number gain of the genomic region encompassing exon(s) 11-12 of the LAMA2 gene. While the exact position of this variant cannot be determined from the data, sub-genic copy number gains are generally in tandem (PMID: 25640679). This variant is predicted to be in-frame, and likely preserves the integrity of the reading frame. This variant has not been reported in the literature in individuals affected with LAMA2-related conditions. Experimental studies and prediction algorithms are not available or were not evaluated, and the functional significance of this variant is currently unknown. In summary, the available evidence is currently insufficient to determine the role of this variant in disease. Therefore, it has been classified as a Variant of Uncertain Significance.

Literature cited by the submitters: PubMed 25640679.

NC_000006.11:g.(?_129511330)_(129514018_?)dup

Gene: LAMA2 (laminin subunit alpha 2; plus strand). Cytogenetic location: 6q22.33.
Variant type: Duplication.
Identifiers: ClinVar variation 1431434 (VCV001431434.4).